The following is an entry in ClinVar:

ClinVar aggregate classification (germline): Likely pathogenic (1 of 4 stars; one submission).

Allele frequency attached by ClinVar (database versions not stated): gnomAD exomes below 0.00001; TOPMed below 0.00001.
gnomAD v4.1: 1 of 1,614,068 alleles (0.000062%); highest among the groups gnomAD compares: Admixed American, 0.0017%; no homozygotes.

Submission:

Labcorp Genetics (formerly Invitae), Labcorp
Classification: Likely pathogenic. Last evaluated: 2022-10-30. Review status: criteria provided, single submitter. Criteria: Invitae Variant Classification Sherloc (09022015). Collection method: clinical testing. Allele origin: germline.
Comment: In summary, the currently available evidence indicates that the variant is pathogenic, but additional data are needed to prove that conclusively. Therefore, this variant has been classified as Likely Pathogenic. Algorithms developed to predict the effect of sequence changes on RNA splicing suggest that this variant may disrupt the consensus splice site. This variant has not been reported in the literature in individuals affected with COL7A1-related conditions. This variant is present in population databases (no rsID available, gnomAD 0.003%). This sequence change affects a donor splice site in intron 9 of the COL7A1 gene. It is expected to disrupt RNA splicing. Variants that disrupt the donor or acceptor splice site typically lead to a loss of protein function (PMID: 16199547), and loss-of-function variants in COL7A1 are known to be pathogenic (PMID: 16971478).

Literature cited by the submitters: PubMed 16199547; PubMed 16971478.

NM_000094.4(COL7A1):c.1240+2T>A

Gene: COL7A1 (collagen type VII alpha 1 chain; minus strand). Cytogenetic location: 3p21.31.
Variant type: single nucleotide variant.
Coding change: c.1240+2T>A on transcript NM_000094.4 (MANE Select); the canonical splice donor site of the intron after coding-DNA position 1240, T replaced by A.
Molecular consequence: splice donor variant.
Genome position (GRCh38, 1-based): chr3:48,592,100, A>T on the plus strand (T>A on the coding strand, the complement: COL7A1 is on the minus strand). VCF-style: chr3-48592100-A-T. GRCh37 (hg19) VCF-style: chr3-48629533-A-T.
Identifiers: ClinVar variation 2785191 (VCV002785191.3), dbSNP rs1395765132, ClinGen allele CA352736868.